The following is an entry in ClinVar:

NM_001385641.1(SAMD11):c.2335G>A (p.Val779Met)

Gene: SAMD11 (sterile alpha motif domain containing 11; plus strand). Cytogenetic location: 1p36.33.
Variant type: single nucleotide variant.
Coding change: c.2335G>A on transcript NM_001385641.1 (MANE Select); coding-DNA position 2335, G replaced by A.
Protein change: p.Val779Met; replaces valine 779 with methionine.
Molecular consequence: missense variant.
Genome position (GRCh38, 1-based): chr1:943,953, G>A. VCF-style: chr1-943953-G-A. GRCh37 (hg19) VCF-style: chr1-879333-G-A.
Other names: c.2338G>A, p.Val780Met (NM_001385640.1); c.1846G>A, p.Val616Met (NM_152486.4); short protein forms V780M, V779M, V616M.
Identifiers: ClinVar variation 1469894 (VCV001469894.8), dbSNP rs996167495, ClinGen allele CA16728240.

ClinVar aggregate classification (germline): Uncertain significance (1 of 4 stars; one submission).

Allele frequency attached by ClinVar (database versions not stated): gnomAD 0.00001; gnomAD exomes 0.00001; TOPMed 0.00001.
gnomAD v4.1: 15 of 1,612,612 alleles (0.00093%); highest among the groups gnomAD compares: Admixed American, 0.005%; no homozygotes.

Submission:

Labcorp Genetics (formerly Invitae), Labcorp
Classification: Uncertain significance. Last evaluated: 2025-04-14. Review status: criteria provided, single submitter. Criteria: Invitae Variant Classification Sherloc (09022015). Collection method: clinical testing. Allele origin: germline.
Comment: This sequence change replaces valine, which is neutral and non-polar, with methionine, which is neutral and non-polar, at codon 616 of the SAMD11 protein (p.Val616Met). This variant is present in population databases (no rsID available, gnomAD 0.009%). This variant has not been reported in the literature in individuals affected with SAMD11-related conditions. ClinVar contains an entry for this variant (Variation ID: 1469894). An algorithm developed to predict the effect of missense changes on protein structure and function (PolyPhen-2) suggests that this variant is likely to be disruptive. In summary, the available evidence is currently insufficient to determine the role of this variant in disease. Therefore, it has been classified as a Variant of Uncertain Significance.